The following is an entry in ClinVar:

ClinVar aggregate classification (germline): Uncertain significance (1 of 4 stars; one submission).

Conditions:
Peutz-Jeghers syndrome (PJS). Also called: Peutz-Jeghers polyposis; Periorificial lentiginosis syndrome; POLYPOSIS, HAMARTOMATOUS INTESTINAL; POLYPS-AND-SPOTS SYNDROME. Identifiers: Orphanet 2869, MedGen C0031269, MeSH D010580, MONDO:0008280, OMIM 175200.

gnomAD v4.1: 7 of 1,563,610 alleles (0.00045%); highest among the groups gnomAD compares: Non-Finnish European, 0.00061%; no homozygotes.

Submission:

Labcorp Genetics (formerly Invitae), Labcorp
Classification: Uncertain significance for Peutz-Jeghers syndrome. Last evaluated: 2025-08-30. Review status: criteria provided, single submitter. Criteria: Invitae Variant Classification Sherloc (09022015). Collection method: clinical testing. Allele origin: germline.
Comment: This sequence change replaces serine, which is neutral and polar, with proline, which is neutral and non-polar, at codon 419 of the STK11 protein (p.Ser419Pro). This variant is present in population databases (no rsID available, gnomAD 0.002%). This variant has not been reported in the literature in individuals affected with STK11-related conditions. Invitae Evidence Modeling of protein sequence and biophysical properties (such as structural, functional, and spatial information, amino acid conservation, physicochemical variation, residue mobility, and thermodynamic stability) indicates that this missense variant is not expected to disrupt STK11 protein function with a negative predictive value of 95%. In summary, the available evidence is currently insufficient to determine the role of this variant in disease. Therefore, it has been classified as a Variant of Uncertain Significance.

NM_000455.5(STK11):c.1255T>C (p.Ser419Pro)

Gene: STK11 (serine/threonine kinase 11; plus strand). Cytogenetic location: 19p13.3.
Variant type: single nucleotide variant.
Coding change: c.1255T>C on transcript NM_000455.5 (MANE Select); coding-DNA position 1255, T replaced by C.
Protein change: p.Ser419Pro; replaces serine 419 with proline.
Molecular consequence: missense variant. On other transcripts: non-coding transcript variant (1).
Genome position (GRCh38, 1-based): chr19:1,226,600, T>C. VCF-style: chr19-1226600-T-C. GRCh37 (hg19) VCF-style: chr19-1226599-T-C.
Other names: short protein forms S419P.
Identifiers: ClinVar variation 4739877 (VCV004739877.1).